The following is an entry in ClinVar:

ClinVar aggregate classification (germline): Uncertain significance. Review status: criteria provided, multiple submitters, no conflicts (2 of 4 stars). 3 submissions from 3 submitters: Uncertain significance (2). 1 of the submissions does not count toward it. Last evaluated 2025-09-16.

Conditions:
Hereditary cancer-predisposing syndrome. Also called: Hereditary neoplastic syndrome; Tumor predisposition; Hereditary Cancer Syndrome; Neoplastic Syndromes, Hereditary. Identifiers: Orphanet 140162, MedGen C0027672, MeSH D009386, MONDO:0015356.
Hereditary breast ovarian cancer syndrome. Also called: BRCA1- and BRCA2-Associated Hereditary Breast and Ovarian Cancer; Hereditary breast and ovarian cancer syndrome (HBOC); Hereditary breast and/or ovarian cancer syndrome; Hereditary breast and ovarian cancer syndrome; Hereditary breast and ovarian cancer; Breast and ovarian cancer. Identifiers: Orphanet 145, MedGen C0677776, MeSH D061325, MONDO:0003582. Disease mechanism: loss of function.
Malignant tumor of breast. Also called: Cancer breast; Malignant breast neoplasm. Identifiers: MedGen C0006142, MONDO:0007254. Disease mechanism: loss of function.

Submissions (3):

Labcorp Genetics (formerly Invitae), Labcorp
Classification: Uncertain significance for Hereditary breast ovarian cancer syndrome. Last evaluated: 2025-09-16. Review status: criteria provided, single submitter. Criteria: Invitae Variant Classification Sherloc (09022015). Collection method: clinical testing. Allele origin: germline.
Comment: This sequence change replaces threonine, which is neutral and polar, with isoleucine, which is neutral and non-polar, at codon 3411 of the BRCA2 protein (p.Thr3411Ile). This variant is not present in population databases (gnomAD no frequency). This variant has not been reported in the literature in individuals affected with BRCA2-related conditions. ClinVar contains an entry for this variant (Variation ID: 220161). Invitae Evidence Modeling of protein sequence and biophysical properties (such as structural, functional, and spatial information, amino acid conservation, physicochemical variation, residue mobility, and thermodynamic stability) indicates that this missense variant is not expected to disrupt BRCA2 protein function with a negative predictive value of 95%. In summary, the available evidence is currently insufficient to determine the role of this variant in disease. Therefore, it has been classified as a Variant of Uncertain Significance.

Ambry Genetics
Classification: Uncertain significance for Hereditary cancer-predisposing syndrome. Last evaluated: 2023-12-23. Review status: criteria provided, single submitter. Criteria: Ambry Variant Classification Scheme 2023. Collection method: clinical testing. Allele origin: germline.
Comment: The p.T3411I variant (also known as c.10232C>T), located in coding exon 26 of the BRCA2 gene, results from a C to T substitution at nucleotide position 10232. The threonine at codon 3411 is replaced by isoleucine, an amino acid with similar properties. This amino acid position is not well conserved in available vertebrate species. In addition, this alteration is predicted to be tolerated by in silico analysis. Since supporting evidence is limited at this time, the clinical significance of this alteration remains unclear.

Department of Pathology and Laboratory Medicine, Sinai Health System
Classification: Uncertain significance for Malignant tumor of breast. Review status: no assertion criteria provided. Collection method: clinical testing. Allele origin: unknown. Affected: yes. Study: The Canadian Open Genetics Repository (COGR). Not counted in ClinVar's aggregate classification.
Comment: The BRCA2 p.Thr3411Ile variant was not identified in the literature, nor was it identified in the dbSNP, NHLBI Exome Sequencing Project, Exome Aggregation Consortium (14 March 2016), Fanconi Anemia Mutation Database, COSMIC, MutDB, ARUP Laboratories BRCA Mutations Database, GeneInsight COGR, BIC or BRCA Share UMD. The variant was identified in ClinVar and Clinvitae databases by Invitae and classified as uncertain significance. The p.Thr3411 residue is not conserved in mammals and four out of five computational analyses (PolyPhen-2, SIFT, AlignGVGD, BLOSUM, MutationTaster) do not suggest a high likelihood of impact to the protein; however, this information is not predictive enough to rule out pathogenicity. The c.10232C>T (p.Thr3411Ile) variant occurs at the 3â€šÃ„Ã´ terminal end location of the BRCA2 gene, which is suggested to be a possibly dispensable part of the gene (Borg 2010) and therefore unlikely to have a deleterious effect. The variant occurs outside of the splicing consensus sequence and in silico or computational prediction software programs (SpliceSiteFinder, MaxEntScan, NNSPLICE, GeneSplicer, HumanSpliceFinder) do not predict a difference in splicing. In summary, based on the above information, the clinical significance of this variant cannot be determined with certainty at this time. This variant is classified as a variant of uncertain significance.

NM_000059.4(BRCA2):c.10232C>T (p.Thr3411Ile)

Gene: BRCA2 (BRCA2 DNA repair associated; plus strand). Cytogenetic location: 13q13.1.
Variant type: single nucleotide variant.
Coding change: c.10232C>T on transcript NM_000059.4 (MANE Select); coding-DNA position 10232, C replaced by T.
Protein change: p.Thr3411Ile; replaces threonine 3411 with isoleucine.
Molecular consequence: missense variant.
Genome position (GRCh38, 1-based): chr13:32,398,745, C>T. VCF-style: chr13-32398745-C-T. GRCh37 (hg19) VCF-style: chr13-32972882-C-T.
Other names: short protein forms T3411I.
Identifiers: ClinVar variation 220161 (VCV000220161.13), dbSNP rs864622402, ClinGen allele CA349682.